The following is an entry in ClinVar:

NM_015450.3(POT1):c.656A>G (p.Asp219Gly)

Gene: POT1 (protection of telomeres 1; minus strand). Cytogenetic location: 7q31.33.
Variant type: single nucleotide variant.
Coding change: c.656A>G on transcript NM_015450.3 (MANE Select); coding-DNA position 656, A replaced by G.
Protein change: p.Asp219Gly; replaces aspartic acid 219 with glycine.
Molecular consequence: missense variant. On other transcripts: non-coding transcript variant (3).
Genome position (GRCh38, 1-based): chr7:124,859,003, T>C on the plus strand (A>G on the coding strand, the complement: POT1 is on the minus strand). VCF-style: chr7-124859003-T-C. GRCh37 (hg19) VCF-style: chr7-124499057-T-C.
Other names: c.263A>G, p.Asp88Gly (NM_001042594.2); short protein forms D219G, D88G.
Identifiers: ClinVar variation 4862384 (VCV004862384.1).

ClinVar aggregate classification (germline): Uncertain significance (1 of 4 stars; one submission).

Conditions:
Hereditary cancer-predisposing syndrome. Also called: Neoplastic Syndromes, Hereditary; Tumor predisposition; Hereditary Cancer Syndrome; Hereditary neoplastic syndrome. Identifiers: Orphanet 140162, MedGen C0027672, MeSH D009386, MONDO:0015356.

Submission:

Ambry Genetics
Classification: Uncertain significance for Hereditary cancer-predisposing syndrome. Last evaluated: 2026-03-30. Review status: criteria provided, single submitter. Criteria: Ambry Variant Classification Scheme 2023. Collection method: clinical testing. Allele origin: germline.
Comment: The p.D219G variant (also known as c.656A>G), located in coding exon 5 of the POT1 gene, results from an A to G substitution at nucleotide position 656. The aspartic acid at codon 219 is replaced by glycine, an amino acid with similar properties. This amino acid position is highly conserved in available vertebrate species. In addition, this alteration is predicted to be deleterious by in silico analysis. Based on the available evidence, the clinical significance of this variant remains unclear.